The following is an entry in ClinVar:

NM_003995.4(NPR2):c.2363G>A (p.Arg788His)

Gene: NPR2 (natriuretic peptide receptor 2; plus strand). Cytogenetic location: 9p13.3.
Variant type: single nucleotide variant.
Coding change: c.2363G>A on transcript NM_003995.4 (MANE Select); coding-DNA position 2363, G replaced by A.
Protein change: p.Arg788His; replaces arginine 788 with histidine.
Molecular consequence: missense variant.
Genome position (GRCh38, 1-based): chr9:35,806,224, G>A. VCF-style: chr9-35806224-G-A. GRCh37 (hg19) VCF-style: chr9-35806221-G-A.
Other names: c.2372G>A, p.Arg791His (NM_001378923.1); short protein forms R788H, R791H.
Identifiers: ClinVar variation 1064023 (VCV001064023.11), dbSNP rs764963912, ClinGen allele CA5051951.

ClinVar aggregate classification (germline): Uncertain significance. Review status: criteria provided, multiple submitters, no conflicts (2 of 4 stars). 3 submissions from 3 submitters: Uncertain significance (3). Last evaluated 2026-06-17.

Conditions:
Acromesomelic dysplasia 1, Maroteaux type (AMD1). Also called: ST. HELENA DYSPLASIA; ACROMESOMELIC DYSPLASIA 1. Identifiers: Orphanet 40, MedGen C1864356, MONDO:0011275, OMIM 602875.
Tall stature-scoliosis-macrodactyly of the great toes syndrome. Also called: Epiphyseal chondrodysplasia, miura type. Identifiers: Orphanet 329191, MedGen C4014690, MONDO:0014401, OMIM 615923.
Short stature with nonspecific skeletal abnormalities 1 (SNSK1). Identifiers: MedGen CN379227, MONDO:0014551, OMIM 616255.

Allele frequency attached by ClinVar (database versions not stated): ExAC 0.00001; gnomAD 0.00001; gnomAD exomes 0.00002; TOPMed 0.00004.

Submissions (3):

Women's Health and Genetics/Laboratory Corporation of America, LabCorp
Classification: Uncertain significance. Last evaluated: 2026-06-17. Review status: criteria provided, single submitter. Criteria: LabCorp Variant Classification Summary - May 2015. Collection method: clinical testing. Allele origin: germline.
Comment: Variant summary: NPR2 c.2363G>A (p.Arg788His) results in a non-conservative amino acid change in the encoded protein sequence. Algorithms developed to predict the effect of missense changes on protein structure and function are either unavailable or do not agree on the potential impact of this missense change. The variant allele was found at a frequency of 1.6e-05 in 251166 control chromosomes. The available data on variant occurrences in the general population are insufficient to allow any conclusion about variant significance. To our knowledge, no occurrence of c.2363G>A in individuals affected with NPR2-related conditions and no experimental evidence demonstrating its impact on protein function have been reported. ClinVar contains an entry for this variant (Variation ID: 1064023). Based on the evidence outlined above, the variant was classified as uncertain significance.

Labcorp Genetics (formerly Invitae), Labcorp
Classification: Uncertain significance for Tall stature-scoliosis-macrodactyly of the great toes syndrome; Acromesomelic dysplasia 1, Maroteaux type. Last evaluated: 2025-01-27. Review status: criteria provided, single submitter. Criteria: Invitae Variant Classification Sherloc (09022015). Collection method: clinical testing. Allele origin: germline.
Comment: This sequence change replaces arginine, which is basic and polar, with histidine, which is basic and polar, at codon 788 of the NPR2 protein (p.Arg788His). This variant is present in population databases (rs764963912, gnomAD 0.007%). This variant has not been reported in the literature in individuals affected with NPR2-related conditions. ClinVar contains an entry for this variant (Variation ID: 1064023). Invitae Evidence Modeling of protein sequence and biophysical properties (such as structural, functional, and spatial information, amino acid conservation, physicochemical variation, residue mobility, and thermodynamic stability) indicates that this missense variant is not expected to disrupt NPR2 protein function with a negative predictive value of 80%. In summary, the available evidence is currently insufficient to determine the role of this variant in disease. Therefore, it has been classified as a Variant of Uncertain Significance.

Department of Pathology and Laboratory Medicine, Sinai Health System
Classification: Uncertain significance for Acromesomelic dysplasia 1, Maroteaux type; Tall stature-scoliosis-macrodactyly of the great toes syndrome; Short stature with nonspecific skeletal abnormalities 1. Last evaluated: 2021-09-09. Review status: criteria provided, single submitter. Criteria: ACMG Guidelines, 2015. Collection method: research. Allele origin: germline.